The following is an entry in ClinVar:

ClinVar aggregate classification (germline): Benign. Review status: criteria provided, single submitter (1 of 4 stars). 2 submissions from 2 submitters: Benign (1). 1 of the submissions does not count toward it. Last evaluated 2025-12-08.

Conditions:
FAT1-related disorder. Also called: FAT1-related condition.

Allele frequency attached by ClinVar (database versions not stated): TOPMed 0.00007; ESP Exome Variant Server 0.00008; gnomAD exomes 0.00019; gnomAD 0.00021; ExAC 0.00034.
gnomAD v4.1: 300 of 1,613,358 alleles (0.019%); highest among the groups gnomAD compares: Non-Finnish European, 0.011%; no homozygotes.

Submissions (2):

Labcorp Genetics (formerly Invitae), Labcorp
Classification: Benign. Last evaluated: 2025-12-08. Review status: criteria provided, single submitter. Criteria: Invitae Variant Classification Sherloc (09022015). Collection method: clinical testing. Allele origin: germline.

PreventionGenetics, part of Exact Sciences
Classification: Likely benign for FAT1-related condition. Last evaluated: 2019-03-11. Review status: no assertion criteria provided. Collection method: clinical testing. Allele origin: germline. Not counted in ClinVar's aggregate classification.
Comment: This variant is classified as likely benign based on ACMG/AMP sequence variant interpretation guidelines (Richards et al. 2015 PMID: 25741868, with internal and published modifications).

NM_005245.4(FAT1):c.5505G>A (p.Leu1835=)

Gene: FAT1 (FAT atypical cadherin 1; minus strand). Cytogenetic location: 4q35.2.
Variant type: single nucleotide variant.
Coding change: c.5505G>A on transcript NM_005245.4 (MANE Select); coding-DNA position 5505, G replaced by A.
Protein change: p.Leu1835=; no amino-acid change (leucine 1835 retained).
Molecular consequence: synonymous variant.
Genome position (GRCh38, 1-based): chr4:186,621,081, C>T on the plus strand (G>A on the coding strand, the complement: FAT1 is on the minus strand). VCF-style: chr4-186621081-C-T. GRCh37 (hg19) VCF-style: chr4-187542235-C-T.
Other names: c.5505G>A (NM_005245.3).
Identifiers: ClinVar variation 2415258 (VCV002415258.9), dbSNP rs372669287, ClinGen allele CA3166449.